The following is an entry in ClinVar:

NM_004086.3(COCH):c.971G>T (p.Arg324Leu)

Genes: COCH (cochlin; plus strand), COCH-AS1 (COCH antisense RNA 1; minus strand). Cytogenetic location: 14q12.
Variant type: single nucleotide variant.
Coding change: c.971G>T on transcript NM_004086.3 (MANE Select); coding-DNA position 971, G replaced by T.
Protein change: p.Arg324Leu; replaces arginine 324 with leucine.
Molecular consequence: missense variant. On other transcripts: non-coding transcript variant (1).
Genome position (GRCh38, 1-based): chr14:30,885,806, G>T. VCF-style: chr14-30885806-G-T. GRCh37 (hg19) VCF-style: chr14-31355012-G-T.
Other names: c.971G>T, p.Arg324Leu (NM_001135058.2); c.1166G>T, p.Arg389Leu (NM_001347720.2); short protein forms R389L, R324L.
Identifiers: ClinVar variation 4709907 (VCV004709907.1).

ClinVar aggregate classification (germline): Uncertain significance (1 of 4 stars; one submission).

Submission:

Labcorp Genetics (formerly Invitae), Labcorp
Classification: Uncertain significance. Last evaluated: 2025-11-08. Review status: criteria provided, single submitter. Criteria: Invitae Variant Classification Sherloc (09022015). Collection method: clinical testing. Allele origin: germline.
Comment: This sequence change replaces arginine, which is basic and polar, with leucine, which is neutral and non-polar, at codon 324 of the COCH protein (p.Arg324Leu). This variant is not present in population databases (gnomAD no frequency). This variant has not been reported in the literature in individuals affected with COCH-related conditions. Invitae Evidence Modeling of protein sequence and biophysical properties (such as structural, functional, and spatial information, amino acid conservation, physicochemical variation, residue mobility, and thermodynamic stability) indicates that this missense variant is not expected to disrupt COCH protein function with a negative predictive value of 95%. In summary, the available evidence is currently insufficient to determine the role of this variant in disease. Therefore, it has been classified as a Variant of Uncertain Significance.